The following is an entry in ClinVar:

NM_001008537.3(NEXMIF):c.3997T>C (p.Phe1333Leu)

Gene: NEXMIF (neurite extension and migration factor; minus strand). Cytogenetic location: Xq13.3.
Variant type: single nucleotide variant.
Coding change: c.3997T>C on transcript NM_001008537.3 (MANE Select); coding-DNA position 3997, T replaced by C.
Protein change: p.Phe1333Leu; replaces phenylalanine 1333 with leucine.
Molecular consequence: missense variant.
Genome position (GRCh38, 1-based): chrX:74,740,560, A>G on the plus strand (T>C on the coding strand, the complement: NEXMIF is on the minus strand). VCF-style: chrX-74740560-A-G. GRCh37 (hg19) VCF-style: chrX-73960395-A-G.
Other names: short protein forms F1333L.
Identifiers: ClinVar variation 4780903 (VCV004780903.1).

ClinVar aggregate classification (germline): Uncertain significance (1 of 4 stars; one submission).

gnomAD v4.1: 1 of 1,210,176 alleles (0.000083%); highest among the groups gnomAD compares: African/African-American, 0.0017%; no homozygotes.

Submission:

Labcorp Genetics (formerly Invitae), Labcorp
Classification: Uncertain significance. Last evaluated: 2025-05-22. Review status: criteria provided, single submitter. Criteria: Invitae Variant Classification Sherloc (09022015). Collection method: clinical testing. Allele origin: germline.
Comment: This sequence change replaces phenylalanine, which is neutral and non-polar, with leucine, which is neutral and non-polar, at codon 1333 of the NEXMIF protein (p.Phe1333Leu). This variant is present in population databases (no rsID available, gnomAD 0.02%), including at least one homozygous and/or hemizygous individual. This variant has not been reported in the literature in individuals affected with NEXMIF-related conditions. An algorithm developed to predict the effect of missense changes on protein structure and function (PolyPhen-2) suggests that this variant is likely to be disruptive. In summary, the available evidence is currently insufficient to determine the role of this variant in disease. Therefore, it has been classified as a Variant of Uncertain Significance.